The following is an entry in ClinVar:

ClinVar aggregate classification (germline): Uncertain significance (1 of 4 stars; one submission).

Conditions:
Inborn genetic diseases. Identifiers: MedGen C0950123, MeSH D030342.

Submission:

Ambry Genetics
Classification: Uncertain significance for Inborn genetic diseases. Last evaluated: 2024-12-08. Review status: criteria provided, single submitter. Criteria: Ambry Variant Classification Scheme 2023. Collection method: clinical testing. Allele origin: germline.
Comment: The p.Q132H variant (also known as c.396G>C), located in coding exon 3 of the G6PC3 gene, results from a G to C substitution at nucleotide position 396. The glutamine at codon 132 is replaced by histidine, an amino acid with highly similar properties. This amino acid position is conserved. In addition, this alteration is predicted to be tolerated by in silico analysis. Based on the available evidence, the clinical significance of this variant remains unclear.

NM_138387.4(G6PC3):c.396G>C (p.Gln132His)

Gene: G6PC3 (glucose-6-phosphatase catalytic subunit 3; plus strand). Cytogenetic location: 17q21.31.
Variant type: single nucleotide variant.
Coding change: c.396G>C on transcript NM_138387.4 (MANE Select); coding-DNA position 396, G replaced by C.
Protein change: p.Gln132His; replaces glutamine 132 with histidine.
Molecular consequence: missense variant.
Genome position (GRCh38, 1-based): chr17:44,074,750, G>C. VCF-style: chr17-44074750-G-C. GRCh37 (hg19) VCF-style: chr17-42152118-G-C.
Other names: c.396G>C, p.Gln132His (NM_001319945.2); c.51G>C, p.Gln17His (NM_001384165.1, NM_001384166.1, NM_001384167.1 and 1 more transcripts); short protein forms Q17H, Q132H.
Identifiers: ClinVar variation 3518083 (VCV003518083.1).